The following is an entry in ClinVar:

NM_003640.5(ELP1):c.3856-82G>C

Gene: ELP1 (elongator acetyltransferase complex subunit 1; minus strand). Cytogenetic location: 9q31.3.
Variant type: single nucleotide variant.
Coding change: c.3856-82G>C on transcript NM_003640.5 (MANE Select); 82 bases into the intron before coding-DNA position 3856, G replaced by C.
Molecular consequence: intron variant.
Genome position (GRCh38, 1-based): chr9:108,875,052, C>G on the plus strand (G>C on the coding strand, the complement: ELP1 is on the minus strand). VCF-style: chr9-108875052-C-G. GRCh37 (hg19) VCF-style: chr9-111637332-C-G.
Other names: c.3514-82G>C (NM_001318360.2); c.2809-82G>C (NM_001330749.2).
Identifiers: ClinVar variation 670533 (VCV000670533.2), dbSNP rs1981267, ClinGen allele CA15623583.

ClinVar aggregate classification (germline): Benign. Review status: criteria provided, multiple submitters, no conflicts (2 of 4 stars). 2 submissions from 2 submitters: Benign (2). Last evaluated 2018-06-14.

Allele frequency attached by ClinVar (database versions not stated): 1000 Genomes Project 0.85803; 1000 Genomes Project 30x 0.86134; gnomAD exomes 0.86437; gnomAD 0.89154 and 0.89958; TOPMed 0.89831.
gnomAD v4.1: 774,093 of 890,352 alleles (87%); highest among the groups gnomAD compares: African/African-American, 94%; 338,310 homozygotes.

Submissions (2):

GeneDx
Classification: Benign. Last evaluated: 2018-06-14. Review status: criteria provided, single submitter. Criteria: GeneDx Variant Classification (06012015). Collection method: clinical testing. Allele origin: germline. Affected: yes.
Comment: This variant is considered likely benign or benign based on one or more of the following criteria: it is a conservative change, it occurs at a poorly conserved position in the protein, it is predicted to be benign by multiple in silico algorithms, and/or has population frequency not consistent with disease.

Breakthrough Genomics
Classification: Benign. Review status: criteria provided, single submitter. Criteria: ACMG Guidelines, 2015. Collection method: not provided. Allele origin: germline. Inheritance: Autosomal recessive inheritance. Affected: yes.